The following is an entry in ClinVar:

ClinVar aggregate classification (germline): Likely benign (1 of 4 stars; one submission).

Submission:

GeneDx
Classification: Likely benign. Last evaluated: 2016-05-16. Review status: criteria provided, single submitter. Criteria: GeneDx Variant Classification (06012015). Collection method: clinical testing. Allele origin: germline. Affected: yes.
Comment: This variant is considered likely benign or benign based on one or more of the following criteria: it is a conservative change, it occurs at a poorly conserved position in the protein, it is predicted to be benign by multiple in silico algorithms, and/or has population frequency not consistent with disease.

NM_172107.4(KCNQ2):c.387+18del

Gene: KCNQ2 (potassium voltage-gated channel subfamily Q member 2; minus strand). Cytogenetic location: 20q13.33.
Variant type: Deletion.
Coding change: c.387+18del on transcript NM_172107.4 (MANE Select); 18 bases into the intron after coding-DNA position 387, one base deleted (G; older notation c.387+18delG).
Molecular consequence: intron variant.
Genome position (GRCh38, 1-based): chr20:63,446,729, C deleted on the plus strand (G on the coding strand, the reverse complement: KCNQ2 is on the minus strand); the first of 3 consecutive C bases (chr20:63,446,729-63,446,731); deleting any one gives the same sequence. VCF-style (leftmost placement, unchanged base first): chr20-63446728-GC-G. GRCh37 (hg19) VCF-style: chr20-62078081-GC-G.
Other names: c.387+18del (NM_004518.6, NM_172108.5, NM_172106.3 and 1 more transcripts); c.387+18delG (NM_172107.2).
Identifiers: ClinVar variation 421139 (VCV000421139.1), dbSNP rs1064794936, ClinGen allele CA16620977.